The following is an entry in ClinVar:

NM_182931.3(KMT2E):c.5156C>A (p.Pro1719His)

Gene: KMT2E (lysine methyltransferase 2E (inactive); plus strand). Cytogenetic location: 7q22.3.
Variant type: single nucleotide variant.
Coding change: c.5156C>A on transcript NM_182931.3 (MANE Select); coding-DNA position 5156, C replaced by A.
Protein change: p.Pro1719His; replaces proline 1719 with histidine.
Molecular consequence: missense variant.
Genome position (GRCh38, 1-based): chr7:105,112,912, C>A. VCF-style: chr7-105112912-C-A. GRCh37 (hg19) VCF-style: chr7-104753359-C-A.
Other names: c.5030C>A, p.Pro1677His (NM_001410908.1); c.5156C>A, p.Pro1719His (NM_018682.4); short protein forms P1677H, P1719H.
Identifiers: ClinVar variation 3723485 (VCV003723485.2).

ClinVar aggregate classification (germline): Uncertain significance (1 of 4 stars; one submission).

gnomAD v4.1: 1 of 1,613,722 alleles (0.000062%); highest among the groups gnomAD compares: Middle Eastern, 0.016%; no homozygotes.

Submission:

Labcorp Genetics (formerly Invitae), Labcorp
Classification: Uncertain significance. Last evaluated: 2024-10-24. Review status: criteria provided, single submitter. Criteria: Invitae Variant Classification Sherloc (09022015). Collection method: clinical testing. Allele origin: germline.
Comment: This sequence change replaces proline, which is neutral and non-polar, with histidine, which is basic and polar, at codon 1719 of the KMT2E protein (p.Pro1719His). This variant is not present in population databases (gnomAD no frequency). This variant has not been reported in the literature in individuals affected with KMT2E-related conditions. An algorithm developed to predict the effect of missense changes on protein structure and function (PolyPhen-2) suggests that this variant is likely to be disruptive. In summary, the available evidence is currently insufficient to determine the role of this variant in disease. Therefore, it has been classified as a Variant of Uncertain Significance.